The following is an entry in ClinVar:

ClinVar aggregate classification (germline): Likely benign. Review status: criteria provided, multiple submitters, no conflicts (2 of 4 stars). 2 submissions from 2 submitters: Likely benign (2). Last evaluated 2025-01-29.

Conditions:
Autosomal recessive limb-girdle muscular dystrophy type 2J (LGMDR10). Also called: MUSCULAR DYSTROPHY, LIMB-GIRDLE, AUTOSOMAL RECESSIVE 10; Limb-girdle muscular dystrophy, type 2J. Identifiers: Orphanet 140922, MedGen C1837342, MONDO:0012127, OMIM 608807.
Dilated cardiomyopathy 1G (CMD1G). Identifiers: Orphanet 154, MedGen C1858763, MONDO:0011400, OMIM 604145.

Allele frequency attached by ClinVar (database versions not stated): gnomAD exomes below 0.00001 and 0.00001; TOPMed 0.00001.
gnomAD v4.1: 2 of 1,596,400 alleles (0.00013%); highest among the groups gnomAD compares: Admixed American, 0.0034%; no homozygotes.

Submissions (2):

Labcorp Genetics (formerly Invitae), Labcorp
Classification: Likely benign for Dilated cardiomyopathy 1G; Autosomal recessive limb-girdle muscular dystrophy type 2J. Last evaluated: 2025-01-29. Review status: criteria provided, single submitter. Criteria: Invitae Variant Classification Sherloc (09022015). Collection method: clinical testing. Allele origin: germline.

GeneDx
Classification: Likely benign. Last evaluated: 2018-02-22. Review status: criteria provided, single submitter. Criteria: GeneDx Variant Classification (06012015). Collection method: clinical testing. Allele origin: germline. Affected: yes.
Comment: This variant is considered likely benign or benign based on one or more of the following criteria: it is a conservative change, it occurs at a poorly conserved position in the protein, it is predicted to be benign by multiple in silico algorithms, and/or has population frequency not consistent with disease.

NM_001267550.2(TTN):c.25639+11G>C

Gene: TTN (titin; minus strand). Cytogenetic location: 2q31.2.
Variant type: single nucleotide variant.
Coding change: c.25639+11G>C on transcript NM_001267550.2 (MANE Select); 11 bases into the intron after coding-DNA position 25639, G replaced by C.
Molecular consequence: intron variant.
Genome position (GRCh38, 1-based): chr2:178,717,084, C>G on the plus strand (G>C on the coding strand, the complement: TTN is on the minus strand). VCF-style: chr2-178717084-C-G. GRCh37 (hg19) VCF-style: chr2-179581811-C-G.
Other names: c.13282+20998G>C (NM_003319.4); c.13858+20998G>C (NM_133437.4); c.13657+20998G>C (NM_133432.3); c.21907+11G>C (NM_133378.4); c.24688+11G>C (NM_001256850.1).
Identifiers: ClinVar variation 515777 (VCV000515777.6), dbSNP rs1054934179, ClinGen allele CA60969899.